The following is an entry in ClinVar:

ClinVar aggregate classification (germline): Pathogenic. Review status: criteria provided, multiple submitters, no conflicts (2 of 4 stars). 2 submissions from 2 submitters: Pathogenic (2). Last evaluated 2026-05-11.

Conditions:
Polyglandular autoimmune syndrome, type 1 (APS1). Also called: AUTOIMMUNE POLYENDOCRINE SYNDROME, TYPE I, WITH OR WITHOUT REVERSIBLE METAPHYSEAL DYSPLASIA; APS I; HYPOADRENOCORTICISM WITH HYPOPARATHYROIDISM AND SUPERFICIAL MONILIASIS; Whitaker syndrome; PGA I; Autoimmune polyendocrinopathy syndrome , type I, with or without reversible metaphyseal dysplasia. Identifiers: Orphanet 3453, MedGen C0085859, MONDO:0009411, OMIM 240300.

Submissions (2):

Myriad Genetics, Inc.
Classification: Pathogenic for Polyglandular autoimmune syndrome, type 1. Last evaluated: 2026-05-11. Review status: criteria provided, single submitter. Criteria: Myriad Autosomal Dominant, Autosomal Recessive and X-Linked Classification Criteria (2023). Collection method: clinical testing. Allele origin: unknown.
Comment: NM_000383.3(AIRE):c.2T>C(M1?) is an initiation codon variant classified as pathogenic in the context of autoimmune polyglandular syndrome type 1. M1? has been observed in a case with relevant disease (PMID: 20407228). Relevant functional assessments of this variant are not available in the literature. M1? has not been observed in referenced population frequency databases. In summary, NM_000383.3(AIRE):c.2T>C(M1?) is an initiation codon variant in a gene where loss of function is a known mechanism of disease, is predicted to disrupt protein function, and has been observed more frequently in cases with the relevant disease than in healthy populations. Please note: this variant was assessed in the context of healthy population screening.

Labcorp Genetics (formerly Invitae), Labcorp
Classification: Pathogenic for Polyglandular autoimmune syndrome, type 1. Last evaluated: 2022-08-05. Review status: criteria provided, single submitter. Criteria: Invitae Variant Classification Sherloc (09022015). Collection method: clinical testing. Allele origin: germline.
Comment: This variant is not present in population databases (gnomAD no frequency). This sequence change affects the initiator methionine of the AIRE mRNA. The next in-frame methionine is located at codon 184. For these reasons, this variant has been classified as Pathogenic. Disruption of the initiator codon has been observed in individual(s) with autosomal recessive autoimmune polyendocrinopathy syndrome (PMID: 16965330, 19758376, 28446514, 28911151). In at least one individual the data is consistent with being in trans (on the opposite chromosome) from a pathogenic variant.

Literature cited by the submitters: PubMed 20407228 (cited by Myriad Genetics, Inc.); PubMed 16965330 (cited by Labcorp Genetics (formerly Invitae), Labcorp); PubMed 19758376 (cited by Labcorp Genetics (formerly Invitae), Labcorp); PubMed 28446514 (cited by Labcorp Genetics (formerly Invitae), Labcorp); PubMed 28911151 (cited by Labcorp Genetics (formerly Invitae), Labcorp).

NM_000383.4(AIRE):c.2T>C (p.Met1Thr)

Gene: AIRE (autoimmune regulator; plus strand). Cytogenetic location: 21q22.3.
Variant type: single nucleotide variant.
Coding change: c.2T>C on transcript NM_000383.4 (MANE Select); coding-DNA position 2, T replaced by C.
Protein change: p.Met1Thr; changes the start codon (methionine 1).
Molecular consequence: missense variant, initiator codon variant.
Genome position (GRCh38, 1-based): chr21:44,286,008, T>C. VCF-style: chr21-44286008-T-C. GRCh37 (hg19) VCF-style: chr21-45705891-T-C.
Other names: short protein forms M1T.
Identifiers: ClinVar variation 2138396 (VCV002138396.6), dbSNP rs2146374989, ClinGen allele CA410422911.
Genomic context (GRCh38, chr21:44,286,008, plus strand): 5'-CTGCCAGTGTCCCGGGACCCACCGCGTCCGCCCCAGCCCCGGGTCCCCGCGCCCACCCCA[T>C]GGCGACGGACGCGGCGCTACGCCGGCTTCTGAGGCTGCACCGCACGGAGATCGCGGTGGC-3'
Protein context (NP_000374.1, residues 1-11): [Met1Thr]ATDAALRRLL